The following is an entry in ClinVar:

ClinVar aggregate classification (germline): Likely pathogenic (1 of 4 stars; one submission).

Conditions:
Androgen resistance syndrome (AIS). Also called: ANDROGEN RECEPTOR DEFICIENCY; Androgen insensitivity syndrome; Androgen insensitivity, complete; Androgen insensitivity; DIHYDROTESTOSTERONE RECEPTOR DEFICIENCY; TESTICULAR FEMINIZATION SYNDROME. Identifiers: Orphanet 754, Orphanet 99429, MedGen C0039585, MONDO:0019154, OMIM 300068. Disease mechanism: loss of function.
Kennedy disease (SMAX1). Also called: SPINAL AND BULBAR MUSCULAR ATROPHY, X-LINKED 1; KENNEDY SPINAL AND BULBAR MUSCULAR ATROPHY; Spinal and Bulbar Muscular Atrophy. Identifiers: Orphanet 481, MedGen C1839259, MONDO:0010735, OMIM 313200.

Submission:

Labcorp Genetics (formerly Invitae), Labcorp
Classification: Likely pathogenic for Kennedy disease; Androgen resistance syndrome. Last evaluated: 2021-12-03. Review status: criteria provided, single submitter. Criteria: Invitae Variant Classification Sherloc (09022015). Collection method: clinical testing. Allele origin: germline.
Comment: In summary, the currently available evidence indicates that the variant is pathogenic, but additional data are needed to prove that conclusively. Therefore, this variant has been classified as Likely Pathogenic. This variant disrupts the p.Gly569 amino acid residue in AR. Other variant(s) that disrupt this residue have been observed in individuals with AR-related conditions (PMID: 20150575, 27583472), which suggests that this may be a clinically significant amino acid residue. Experimental studies and prediction algorithms are not available or were not evaluated, and the functional significance of this variant is currently unknown. ClinVar contains an entry for this variant (Variation ID: 948376). This missense change has been observed in individuals with androgen insensitivity syndrome (PMID: 7910529, 28624954; Invitae). Information on the frequency of this variant in the gnomAD database is not available, as this variant may be reported differently in the database. This sequence change replaces glycine, which is neutral and non-polar, with tryptophan, which is neutral and slightly polar, at codon 569 of the AR protein (p.Gly569Trp).

Literature cited by the submitters: PubMed 20150575; PubMed 27583472; PubMed 7910529; PubMed 28624954.

NM_000044.6(AR):c.1704_1705delinsCT (p.Gly569Trp)

Gene: AR (androgen receptor; plus strand). Cytogenetic location: Xq12.
Variant type: Indel.
Coding change: c.1704_1705delinsCT on transcript NM_000044.6 (MANE Select); coding-DNA positions 1704 to 1705, TG replaced by CT.
Protein change: p.Gly569Trp; replaces glycine 569 with tryptophan.
Molecular consequence: missense variant. On other transcripts: intron variant (1).
Genome position (GRCh38, 1-based): chrX:67,643,343-67,643,344, TG replaced by CT. VCF-style: chrX-67643343-TG-CT. GRCh37 (hg19) VCF-style: chrX-66863185-TG-CT.
Other names: c.108_109delinsCT, p.Gly37Trp (NM_001011645.3); c.1704_1705delinsCT, p.Gly569Trp (NM_001348061.1, NM_001348063.1); c.1617-42598_1617-42597delinsCT (NM_001348064.1); short protein forms G37W, G569W.
Identifiers: ClinVar variation 948376 (VCV000948376.7), dbSNP rs1925886368, ClinGen allele CA1139667601.